The following is an entry in ClinVar:

NM_016065.4(MRPS16):c.120G>A (p.Lys40=)

Genes: DNAJC9-AS1 (DNAJC9 and MRPS16 antisense RNA 1; plus strand), MRPS16 (mitochondrial ribosomal protein S16; minus strand). Cytogenetic location: 10q22.2.
Variant type: single nucleotide variant.
Coding change: c.120G>A on transcript NM_016065.4 (MANE Select); coding-DNA position 120, G replaced by A.
Protein change: p.Lys40=; no amino-acid change (lysine 40 retained).
Molecular consequence: synonymous variant.
Genome position (GRCh38, 1-based): chr10:73,251,917, C>T on the plus strand (G>A on the coding strand, the complement: MRPS16 is on the minus strand). VCF-style: chr10-73251917-C-T. GRCh37 (hg19) VCF-style: chr10-75011675-C-T.
Other names: c.120G>A, p.Lys40= (NM_001410935.1).
Identifiers: ClinVar variation 3042030 (VCV003042030.2), dbSNP rs2493361550, ClinGen allele CA470285646.

ClinVar aggregate classification (germline): Likely benign (0 of 4 stars; one submission).

Conditions:
MRPS16-related disorder. Also called: MRPS16-related condition.

Allele frequency attached by ClinVar (database versions not stated): gnomAD exomes below 0.00001.

Submission:

PreventionGenetics, part of Exact Sciences
Classification: Likely benign for MRPS16-related condition. Last evaluated: 2019-05-20. Review status: no assertion criteria provided. Collection method: clinical testing. Allele origin: germline.
Comment: This variant is classified as likely benign based on ACMG/AMP sequence variant interpretation guidelines (Richards et al. 2015 PMID: 25741868, with internal and published modifications).